The following is an entry in ClinVar:

NM_001111.5(ADAR):c.406T>C (p.Tyr136His)

Gene: ADAR (adenosine deaminase RNA specific; minus strand). Cytogenetic location: 1q21.3.
Variant type: single nucleotide variant.
Coding change: c.406T>C on transcript NM_001111.5 (MANE Select); coding-DNA position 406, T replaced by C.
Protein change: p.Tyr136His; replaces tyrosine 136 with histidine.
Molecular consequence: missense variant. On other transcripts: 5 prime UTR variant (6).
Genome position (GRCh38, 1-based): chr1:154,602,236, A>G on the plus strand (T>C on the coding strand, the complement: ADAR is on the minus strand). VCF-style: chr1-154602236-A-G. GRCh37 (hg19) VCF-style: chr1-154574712-A-G.
Other names: c.-480T>C (NM_001025107.3, NM_001193495.2, NM_001365046.1 and 3 more transcripts); c.433T>C, p.Tyr145His (NM_001365045.1); c.406T>C, p.Tyr136His (NM_015840.4, NM_015841.4); short protein forms Y145H, Y136H.
Identifiers: ClinVar variation 1345316 (VCV001345316.8), dbSNP rs2101644128, ClinGen allele CA342603305.

ClinVar aggregate classification (germline): Uncertain significance (1 of 4 stars; one submission).

Conditions:
Symmetrical dyschromatosis of extremities (DSH). Also called: RETICULATE ACROPIGMENTATION OF DOHI; SYMMETRIC DYSCHROMATOSIS OF THE EXTREMITIES; DYSCHROMATOSIS SYMMETRICA HEREDITARIA 1; Dyschromatosis symmetrica hereditaria. Identifiers: Orphanet 41, MedGen C0406775, MONDO:0007483, OMIM 127400.
Aicardi-Goutieres syndrome 6 (AGS6). Identifiers: Orphanet 51, MedGen C3539013, MONDO:0014007, OMIM 615010.

Submission:

Labcorp Genetics (formerly Invitae), Labcorp
Classification: Uncertain significance for Aicardi-Goutieres syndrome 6; Symmetrical dyschromatosis of extremities. Last evaluated: 2023-08-17. Review status: criteria provided, single submitter. Criteria: Invitae Variant Classification Sherloc (09022015). Collection method: clinical testing. Allele origin: germline.
Comment: This variant has not been reported in the literature in individuals affected with ADAR-related conditions. This variant is not present in population databases (gnomAD no frequency). This sequence change replaces tyrosine, which is neutral and polar, with histidine, which is basic and polar, at codon 136 of the ADAR protein (p.Tyr136His). ClinVar contains an entry for this variant (Variation ID: 1345316). In summary, the available evidence is currently insufficient to determine the role of this variant in disease. Therefore, it has been classified as a Variant of Uncertain Significance. An algorithm developed to predict the effect of missense changes on protein structure and function (PolyPhen-2) suggests that this variant is likely to be disruptive.